The following is an entry in ClinVar:

ClinVar aggregate classification (germline): Uncertain significance (1 of 4 stars; one submission).

Conditions:
IFT172-related disorder. Also called: IFT172-related disorders; IFT172-related condition.

gnomAD v4.1: 1 of 1,612,620 alleles (0.000062%); highest among the groups gnomAD compares: East Asian, 0.0022%; no homozygotes.

Submission:

PreventionGenetics, part of Exact Sciences
Classification: Uncertain significance for IFT172-related condition. Last evaluated: 2024-10-28. Review status: criteria provided, single submitter. Criteria: ACMG Guidelines, 2015. Collection method: clinical testing. Allele origin: germline.
Comment: The IFT172 c.3787G>C variant is predicted to result in the amino acid substitution p.Glu1263Gln. To our knowledge, this variant has not been reported in the literature or in a large population database (gnomAD), indicating this variant is rare. At this time, the clinical significance of this variant is uncertain due to the absence of conclusive functional and genetic evidence.

NM_015662.3(IFT172):c.3787G>C (p.Glu1263Gln)

Genes: IFT172 (intraflagellar transport 172; minus strand), LOC126806173 (BRD4-independent group 4 enhancer GRCh37_chr2:27676057-27677256; plus strand). Cytogenetic location: 2p23.3.
Variant type: single nucleotide variant.
Coding change: c.3787G>C on transcript NM_015662.3 (MANE Select); coding-DNA position 3787, G replaced by C.
Protein change: p.Glu1263Gln; replaces glutamic acid 1263 with glutamine.
Molecular consequence: missense variant.
Genome position (GRCh38, 1-based): chr2:27,453,664, C>G on the plus strand (G>C on the coding strand, the complement: IFT172 is on the minus strand). VCF-style: chr2-27453664-C-G. GRCh37 (hg19) VCF-style: chr2-27676531-C-G.
Other names: c.3721G>C, p.Glu1241Gln (NM_001410739.1); short protein forms E1241Q, E1263Q.
Identifiers: ClinVar variation 5001405 (VCV005001405.1).
Genomic context (GRCh38, chr2:27,453,664, plus strand): 5'-TGCTGCCTGGACCTCTGGCCTCATACCTGGCCCCCTTCTTAGTAGCTTCCCGCTCATATT[C>G]TTCCTGCAGAGCCTCCAGCTGGCTGGGCACATAGTCCTTGCAGATGCGCAGAGCGTCACT-3'
Protein context (NP_056477.1, residues 1253-1273): VPSQLEALQE[Glu1263Gln]YEREATKKGA